The following is an entry in ClinVar:

NM_015909.4(NBAS):c.4913G>A (p.Arg1638His)

Gene: NBAS (NBAS subunit of NRZ tethering complex; minus strand). Cytogenetic location: 2p24.3.
Variant type: single nucleotide variant.
Coding change: c.4913G>A on transcript NM_015909.4 (MANE Select); coding-DNA position 4913, G replaced by A.
Protein change: p.Arg1638His; replaces arginine 1638 with histidine.
Molecular consequence: missense variant. On other transcripts: non-coding transcript variant (1).
Genome position (GRCh38, 1-based): chr2:15,292,651, C>T on the plus strand (G>A on the coding strand, the complement: NBAS is on the minus strand). VCF-style: chr2-15292651-C-T. GRCh37 (hg19) VCF-style: chr2-15432775-C-T.
Other names: p.Arg1638His; short protein forms R1638H.
Identifiers: ClinVar variation 731487 (VCV000731487.47), dbSNP rs146449593, ClinGen allele CA1535458.

ClinVar aggregate classification (germline): Benign/Likely benign. Review status: criteria provided, multiple submitters, no conflicts (2 of 4 stars). 10 submissions from 10 submitters: Benign (2); Likely benign (4). 4 of the submissions do not count toward it. Last evaluated 2026-07-01.

Conditions:
NBAS-related disorder. Also called: NBAS-related condition.
Infantile liver failure syndrome 2 (ILFS2). Identifiers: MedGen C3809651, MONDO:0014659, OMIM 616483.

Allele frequency attached by ClinVar (database versions not stated): 1000 Genomes Project 30x 0.00172; 1000 Genomes Project 0.00180; gnomAD exomes 0.00292; gnomAD 0.00297 and 0.00303; ExAC 0.00298; TOPMed 0.00313; ESP Exome Variant Server 0.00507.
gnomAD v4.1: 6,884 of 1,614,166 alleles (0.43%); highest among the groups gnomAD compares: Non-Finnish European, 0.53%; 26 homozygotes.

Submissions (10):

CeGaT Center for Human Genetics Tuebingen
Classification: Likely benign. Last evaluated: 2026-07-01. Review status: criteria provided, single submitter. Criteria: CeGaT Center For Human Genetics Tuebingen Variant Classification Criteria Version 2. Collection method: clinical testing. Allele origin: germline. Affected: yes. Observed: 12 variant alleles.
Comment: NBAS: BP4, BS2

Labcorp Genetics (formerly Invitae), Labcorp
Classification: Benign. Last evaluated: 2026-02-04. Review status: criteria provided, single submitter. Criteria: Invitae Variant Classification Sherloc (09022015). Collection method: clinical testing. Allele origin: germline.

Blueprint Genetics
Classification: Likely benign. Last evaluated: 2024-11-25. Review status: criteria provided, single submitter. Criteria: ACMG Guidelines, 2015. Collection method: clinical testing. Allele origin: germline.

Mayo Clinic Laboratories, Mayo Clinic
Classification: Benign. Last evaluated: 2024-01-09. Review status: criteria provided, single submitter. Criteria: ACMG Guidelines, 2015. Collection method: clinical testing. Allele origin: germline. Observed: 2 variant alleles.
Comment: BS1, BS2

Mendelics
Classification: Likely benign for Infantile liver failure syndrome 2. Last evaluated: 2019-05-28. Review status: criteria provided, single submitter. Criteria: Mendelics Assertion Criteria 2017. Collection method: clinical testing. Allele origin: unknown.

Breakthrough Genomics
Classification: Likely benign. Review status: criteria provided, single submitter. Criteria: ACMG Guidelines, 2015. Collection method: not provided. Allele origin: germline. Inheritance: Autosomal recessive inheritance. Affected: yes.

PreventionGenetics, part of Exact Sciences
Classification: Likely benign for NBAS-related condition. Last evaluated: 2020-11-05. Review status: no assertion criteria provided. Collection method: clinical testing. Allele origin: germline. Not counted in ClinVar's aggregate classification.
Comment: This variant is classified as likely benign based on ACMG/AMP sequence variant interpretation guidelines (Richards et al. 2015 PMID: 25741868, with internal and published modifications).

Clinical Genetics DNA and cytogenetics Diagnostics Lab, Erasmus MC, Erasmus Medical Center
Classification: Likely benign. Review status: no assertion criteria provided. Collection method: clinical testing. Allele origin: germline. Affected: yes. Study: VKGL Data-share Consensus. Not counted in ClinVar's aggregate classification.

Diagnostic Laboratory, Department of Genetics, University Medical Center Groningen
Classification: Likely benign. Review status: no assertion criteria provided. Collection method: clinical testing. Allele origin: germline. Affected: yes. Study: VKGL Data-share Consensus. Not counted in ClinVar's aggregate classification.

Genome Diagnostics Laboratory, University Medical Center Utrecht
Classification: Likely benign. Review status: no assertion criteria provided. Collection method: clinical testing. Allele origin: germline. Affected: yes. Study: VKGL Data-share Consensus. Not counted in ClinVar's aggregate classification.

Literature cited by the submitters: PubMed 35327467 (cited by Mayo Clinic Laboratories, Mayo Clinic).